The following is an entry in ClinVar:

NM_000194.3(HPRT1):c.384+9C>T

Gene: HPRT1 (hypoxanthine phosphoribosyltransferase 1; plus strand). Cytogenetic location: Xq26.2.
Variant type: single nucleotide variant.
Coding change: c.384+9C>T on transcript NM_000194.3 (MANE Select); 9 bases into the intron after coding-DNA position 384, C replaced by T.
Molecular consequence: intron variant.
Genome position (GRCh38, 1-based): chrX:134,486,539, C>T. VCF-style: chrX-134486539-C-T. GRCh37 (hg19) VCF-style: chrX-133620569-C-T.
Other names: p.?.
Identifiers: ClinVar variation 435446 (VCV000435446.15), dbSNP rs748658007, ClinGen allele CA10521371.

ClinVar aggregate classification (germline): Conflicting classifications of pathogenicity. Review status: criteria provided, conflicting classifications (1 of 4 stars). 3 submissions from 3 submitters: Uncertain significance (1); Benign (1); Likely benign (1). Last evaluated 2025-12-26.

Conditions:
Lesch-Nyhan syndrome (LNS). Also called: Lesch-Nyhan Disease (LND); HPRT DEFICIENCY, COMPLETE. Identifiers: Orphanet 510, MedGen C0023374, MONDO:0010298, OMIM 300322.
Partial hypoxanthine-guanine phosphoribosyltransferase deficiency. Also called: HPRT1 DEFICIENCY, PARTIAL; HYPOXANTHINE GUANINE PHOSPHORIBOSYLTRANSFERASE 1 DEFICIENCY, PARTIAL; Kelley-Seegmiller Syndrome; GOUT, HPRT-RELATED; HPRT DEFICIENCY, PARTIAL. Identifiers: Orphanet 79233, MedGen C0268117, MONDO:0010299, OMIM 300323.

Allele frequency attached by ClinVar (database versions not stated): gnomAD 0.00002; ExAC 0.00004; gnomAD exomes 0.00004.
gnomAD v4.1: 41 of 1,076,039 alleles (0.0038%); highest among the groups gnomAD compares: Non-Finnish European, 0.0049%; no homozygotes.

Submissions (3):

Labcorp Genetics (formerly Invitae), Labcorp
Classification: Benign for Lesch-Nyhan syndrome; Partial hypoxanthine-guanine phosphoribosyltransferase deficiency. Last evaluated: 2025-12-26. Review status: criteria provided, single submitter. Criteria: Invitae Variant Classification Sherloc (09022015). Collection method: clinical testing. Allele origin: germline.

Mayo Clinic Laboratories, Mayo Clinic
Classification: Likely benign. Last evaluated: 2025-05-05. Review status: criteria provided, single submitter. Criteria: ACMG Guidelines, 2015. Collection method: clinical testing. Allele origin: germline. Observed: 1 variant allele.
Comment: BP4, BP7

Genetic Services Laboratory, University of Chicago
Classification: Uncertain significance. Last evaluated: 2016-04-25. Review status: criteria provided, single submitter. Criteria: ACMG Guidelines, 2015. Collection method: clinical testing. Allele origin: germline. Affected: no.